The following is an entry in ClinVar:

ClinVar aggregate classification (germline): Uncertain significance (1 of 4 stars; one submission).

Conditions:
Progressive myoclonic epilepsy type 3. Also called: EPILEPSY, PROGRESSIVE MYOCLONIC, 3, WITHOUT INTRACELLULAR INCLUSIONS; KCTD7-Related Progressive Myoclonic Epilepsy; EPILEPSY, PROGRESSIVE MYOCLONIC, 3, WITH OR WITHOUT INTRACELLULAR INCLUSIONS; CEROID LIPOFUSCINOSIS, NEURONAL, 14. Identifiers: Orphanet 263516, MedGen C2673257, MONDO:0012721, OMIM 611726.

Submission:

Labcorp Genetics (formerly Invitae), Labcorp
Classification: Uncertain significance for Progressive myoclonic epilepsy type 3. Last evaluated: 2021-08-28. Review status: criteria provided, single submitter. Criteria: Invitae Variant Classification Sherloc (09022015). Collection method: clinical testing. Allele origin: germline.
Comment: This sequence change replaces serine with asparagine at codon 217 of the KCTD7 protein (p.Ser217Asn). The serine residue is highly conserved and there is a small physicochemical difference between serine and asparagine. This variant is not present in population databases (ExAC no frequency). This variant has not been reported in the literature in individuals affected with KCTD7-related conditions. Algorithms developed to predict the effect of missense changes on protein structure and function are either unavailable or do not agree on the potential impact of this missense change (SIFT: "Deleterious"; PolyPhen-2: "Benign"; Align-GVGD: "Class C0"). In summary, the available evidence is currently insufficient to determine the role of this variant in disease. Therefore, it has been classified as a Variant of Uncertain Significance.

NM_153033.5(KCTD7):c.650G>A (p.Ser217Asn)

Gene: KCTD7 (potassium channel tetramerization domain containing 7; plus strand). Cytogenetic location: 7q11.21.
Variant type: single nucleotide variant.
Coding change: c.650G>A on transcript NM_153033.5 (MANE Select); coding-DNA position 650, G replaced by A.
Protein change: p.Ser217Asn; replaces serine 217 with asparagine.
Molecular consequence: missense variant.
Genome position (GRCh38, 1-based): chr7:66,639,012, G>A. VCF-style: chr7-66639012-G-A. GRCh37 (hg19) VCF-style: chr7-66103999-G-A.
Other names: c.650G>A, p.Ser217Asn (NM_001167961.2); short protein forms S217N.
Identifiers: ClinVar variation 1042812 (VCV001042812.6), dbSNP rs1786651523, ClinGen allele CA367697103.